The following is an entry in ClinVar:

ClinVar aggregate classification (germline): Uncertain significance. Review status: criteria provided, multiple submitters, no conflicts (2 of 4 stars). 2 submissions from 2 submitters: Uncertain significance (2). Last evaluated 2025-08-11.

Allele frequency attached by ClinVar (database versions not stated): gnomAD exomes 0.00001; gnomAD 0.00003; TOPMed 0.00002; ExAC 0.00002.
gnomAD v4.1: 22 of 1,613,206 alleles (0.0014%); highest among the groups gnomAD compares: East Asian, 0.016%; no homozygotes.

Submissions (2):

Labcorp Genetics (formerly Invitae), Labcorp
Classification: Uncertain significance. Last evaluated: 2025-08-11. Review status: criteria provided, single submitter. Criteria: Invitae Variant Classification Sherloc (09022015). Collection method: clinical testing. Allele origin: germline.
Comment: This sequence change replaces alanine, which is neutral and non-polar, with valine, which is neutral and non-polar, at codon 34 of the CTF1 protein (p.Ala34Val). This variant is present in population databases (rs753956418, gnomAD 0.02%). This variant has not been reported in the literature in individuals affected with CTF1-related conditions. ClinVar contains an entry for this variant (Variation ID: 2144950). An algorithm developed to predict the effect of missense changes on protein structure and function (PolyPhen-2) suggests that this variant is likely to be disruptive. In summary, the available evidence is currently insufficient to determine the role of this variant in disease. Therefore, it has been classified as a Variant of Uncertain Significance.

Ambry Genetics
Classification: Uncertain significance. Last evaluated: 2023-02-28. Review status: criteria provided, single submitter. Criteria: Ambry Variant Classification Scheme 2023. Collection method: clinical testing. Allele origin: germline.

NM_001330.5(CTF1):c.101C>T (p.Ala34Val)

Gene: CTF1 (cardiotrophin 1; plus strand). Cytogenetic location: 16p11.2.
Variant type: single nucleotide variant.
Coding change: c.101C>T on transcript NM_001330.5 (MANE Select); coding-DNA position 101, C replaced by T.
Protein change: p.Ala34Val; replaces alanine 34 with valine.
Molecular consequence: missense variant. On other transcripts: non-coding transcript variant (1).
Genome position (GRCh38, 1-based): chr16:30,899,490, C>T. VCF-style: chr16-30899490-C-T. GRCh37 (hg19) VCF-style: chr16-30910811-C-T.
Other names: c.98C>T, p.Ala33Val (NM_001142544.3); short protein forms A33V, A34V.
Identifiers: ClinVar variation 2144950 (VCV002144950.6), dbSNP rs753956418, ClinGen allele CA8015474.